The following is an entry in ClinVar:

NM_001031710.3(KLHL7):c.23A>G (p.Lys8Arg)

Gene: KLHL7 (kelch like family member 7; plus strand). Cytogenetic location: 7p15.3.
Variant type: single nucleotide variant.
Coding change: c.23A>G on transcript NM_001031710.3 (MANE Select); coding-DNA position 23, A replaced by G.
Protein change: p.Lys8Arg; replaces lysine 8 with arginine.
Molecular consequence: missense variant. On other transcripts: non-coding transcript variant (2).
Genome position (GRCh38, 1-based): chr7:23,106,049, A>G. VCF-style: chr7-23106049-A-G. GRCh37 (hg19) VCF-style: chr7-23145668-A-G.
Other names: c.23A>G, p.Lys8Arg (NM_001172428.2); short protein forms K8R.
Identifiers: ClinVar variation 4780280 (VCV004780280.1).
Genomic context (GRCh38, chr7:23,106,049, plus strand): 5'-GCCCGGCGAGCCCCGGGCGTGAACCGAGCTGAGGGAGGATGGCAGCCTCTGGGGTGGAGA[A>G]GAGCAGCAAGAAGAAGACCGAGAAGAAACTTGCTGCTCGGGAAGAAGCTAAATTGTTGGC-3'
Protein context (NP_001026880.2, residues 1-18): MAASGVE[Lys8Arg]SSKKKTEKKL

ClinVar aggregate classification (germline): Uncertain significance (1 of 4 stars; one submission).

Submission:

Labcorp Genetics (formerly Invitae), Labcorp
Classification: Uncertain significance. Last evaluated: 2025-12-18. Review status: criteria provided, single submitter. Criteria: Invitae Variant Classification Sherloc (09022015). Collection method: clinical testing. Allele origin: germline.
Comment: This sequence change replaces lysine, which is basic and polar, with arginine, which is basic and polar, at codon 8 of the KLHL7 protein (p.Lys8Arg). The frequency data for this variant in the population databases is considered unreliable, as metrics indicate poor data quality at this position in the gnomAD database. This variant has not been reported in the literature in individuals affected with KLHL7-related conditions. An algorithm developed to predict the effect of missense changes on protein structure and function (PolyPhen-2) suggests that this variant is likely to be tolerated. In summary, the available evidence is currently insufficient to determine the role of this variant in disease. Therefore, it has been classified as a Variant of Uncertain Significance.